The following is an entry in ClinVar:

NM_006269.2(RP1):c.6075A>T (p.Gln2025His)

Genes: RP1 (RP1 axonemal microtubule associated; plus strand), LOC126860392 (CDK7 strongly-dependent group 2 enhancer GRCh37_chr8:55541319-55542518; plus strand). Cytogenetic location: 8q12.1.
Variant type: single nucleotide variant.
Coding change: c.6075A>T on transcript NM_006269.2 (MANE Select); coding-DNA position 6075, A replaced by T.
Protein change: p.Gln2025His; replaces glutamine 2025 with histidine.
Molecular consequence: missense variant. On other transcripts: intron variant (1).
Genome position (GRCh38, 1-based): chr8:54,629,957, A>T. VCF-style: chr8-54629957-A-T. GRCh37 (hg19) VCF-style: chr8-55542517-A-T.
Other names: c.787+7669A>T (NM_001375654.1); short protein forms Q2025H.
Identifiers: ClinVar variation 4697848 (VCV004697848.1).
Genomic context (GRCh38, chr8:54,629,957, plus strand): 5'-AAAACAAAAAAGAATTAACTTCTTGGGGTTAGAGGAAGAAGGTAATTTAAAGAAATTTCA[A>T]CCAGATTTGAAGGAAAGGTTTTGTATGAATTTCTTGCACACATCATTGTTAGTTGTGGGT-3'
Protein context (NP_006260.1, residues 2015-2035): LEEEGNLKKF[Gln2025His]PDLKERFCMN

ClinVar aggregate classification (germline): Uncertain significance (1 of 4 stars; one submission).

gnomAD v4.1: 16 of 1,613,910 alleles (0.00099%); highest among the groups gnomAD compares: African/African-American, 0.0027%; no homozygotes.

Submission:

Labcorp Genetics (formerly Invitae), Labcorp
Classification: Uncertain significance. Last evaluated: 2025-04-09. Review status: criteria provided, single submitter. Criteria: Invitae Variant Classification Sherloc (09022015). Collection method: clinical testing. Allele origin: germline.
Comment: This sequence change replaces glutamine, which is neutral and polar, with histidine, which is basic and polar, at codon 2025 of the RP1 protein (p.Gln2025His). This variant is present in population databases (rs373216628, gnomAD 0.0009%). This variant has not been reported in the literature in individuals affected with RP1-related conditions. An algorithm developed to predict the effect of missense changes on protein structure and function (PolyPhen-2) suggests that this variant is likely to be disruptive. In summary, the available evidence is currently insufficient to determine the role of this variant in disease. Therefore, it has been classified as a Variant of Uncertain Significance.